The following is an entry in ClinVar:

NM_001256545.2(MEGF10):c.505T>G (p.Cys169Gly)

Gene: MEGF10 (multiple EGF like domains 10; plus strand). Cytogenetic location: 5q23.2.
Variant type: single nucleotide variant.
Coding change: c.505T>G on transcript NM_001256545.2 (MANE Select); coding-DNA position 505, T replaced by G.
Protein change: p.Cys169Gly; replaces cysteine 169 with glycine.
Molecular consequence: missense variant.
Genome position (GRCh38, 1-based): chr5:127,396,624, T>G. VCF-style: chr5-127396624-T-G. GRCh37 (hg19) VCF-style: chr5-126732316-T-G.
Other names: c.505T>G, p.Cys169Gly (NM_001308119.2, NM_001308121.2, NM_032446.3); short protein forms C169G.
Identifiers: ClinVar variation 961427 (VCV000961427.10), dbSNP rs1223549168, ClinGen allele CA360718337.
Genomic context (GRCh38, chr5:127,396,624, plus strand): 5'-ACCAGCCGGTGCCAGTGCAAAAATGGGGCTCTGTGCAACCCCATCACCGGGGCTTGCCAC[T>G]GTGCTGCGGGCTTCCGGGGCTGGCGCTGCGAGGACCGCTGTGAGCAGGGCACCTATGGTA-3'
Protein context (NP_001243474.1, residues 159-179): LCNPITGACH[Cys169Gly]AAGFRGWRCE

ClinVar aggregate classification (germline): Uncertain significance (1 of 4 stars; one submission).

Conditions:
MEGF10-related myopathy (CMYO10A). Also called: Congenital myopathy 10A, severe variant. Identifiers: Orphanet 439212, MedGen C3280679, MONDO:0013731, OMIM 614399.

Allele frequency attached by ClinVar (database versions not stated): TOPMed below 0.00001.
gnomAD v4.1: 5 of 1,613,812 alleles (0.00031%); highest among the groups gnomAD compares: Non-Finnish European, 0.00034%; no homozygotes.

Submission:

Labcorp Genetics (formerly Invitae), Labcorp
Classification: Uncertain significance for MEGF10-related myopathy. Last evaluated: 2024-05-20. Review status: criteria provided, single submitter. Criteria: Invitae Variant Classification Sherloc (09022015). Collection method: clinical testing. Allele origin: germline.
Comment: This sequence change replaces cysteine, which is neutral and slightly polar, with glycine, which is neutral and non-polar, at codon 169 of the MEGF10 protein (p.Cys169Gly). This variant is not present in population databases (gnomAD no frequency). This variant has not been reported in the literature in individuals affected with MEGF10-related conditions. ClinVar contains an entry for this variant (Variation ID: 961427). Advanced modeling of protein sequence and biophysical properties (such as structural, functional, and spatial information, amino acid conservation, physicochemical variation, residue mobility, and thermodynamic stability) performed at Invitae indicates that this missense variant is expected to disrupt MEGF10 protein function with a positive predictive value of 80%. In summary, the available evidence is currently insufficient to determine the role of this variant in disease. Therefore, it has been classified as a Variant of Uncertain Significance.